The following is an entry in ClinVar:

ClinVar aggregate classification (germline): Uncertain significance (1 of 4 stars; one submission).

Conditions:
Inborn genetic diseases. Identifiers: MedGen C0950123, MeSH D030342.

Submission:

Ambry Genetics
Classification: Uncertain significance for Inborn genetic diseases. Last evaluated: 2019-09-26. Review status: criteria provided, single submitter. Criteria: Ambry Variant Classification Scheme 2023. Collection method: clinical testing. Allele origin: germline.
Comment: The c.2124_2126delGGA variant (also known as p.E708del) is located in coding exon 18 of the PLEKHG5 gene. This variant results from an in-frame GGA deletion at nucleotide positions 2124 to 2126. This results in the in-frame deletion of a glutamic acid at codon 708. This amino acid position is well conserved in available vertebrate species. In addition, this alteration is predicted to be neutral by in silico analysis (Choi Y et al. PLoS ONE. 2012; 7(10):e46688). Since supporting evidence is limited at this time, the clinical significance of this alteration remains unclear.

NM_020631.6(PLEKHG5):c.2118GGA[2] (p.Glu708del)

Gene: PLEKHG5 (pleckstrin homology and RhoGEF domain containing G5; minus strand). Cytogenetic location: 1p36.31.
Variant type: Microsatellite.
Coding change: c.2118GGA[2] on transcript NM_020631.6 (MANE Select); two copies in a row of the 3-base unit GGA starting at c.2118; the reference has three copies in a row; one copy, 3 bases deleted.
Protein change: p.Glu708del; deletes glutamic acid 708.
Molecular consequence: inframe deletion. On other transcripts: inframe indel (5).
Genome position (GRCh38, 1-based): chr1:6,469,165-6,469,167, TCC deleted on the plus strand (GGA on the coding strand, the reverse complement: PLEKHG5 is on the minus strand); deleting any 3 consecutive bases within chr1:6,469,165-6,469,175 gives the same sequence; the position shown is the placement nearest the transcript's 3' end. VCF-style (leftmost placement, unchanged base first): chr1-6469164-ATCC-A. GRCh37 (hg19) VCF-style: chr1-6529224-ATCC-A.
Other names: c.2124_2126delGGA (NM_020631.3); c.2229GGA[2], p.Glu745del (NM_001042663.3, NM_001265592.2); c.2116_2118GAG[2], p.Glu708del (NM_001042664.2, NM_001042665.2, NM_001265594.3); c.2323_2325GAG[2], p.Glu777del (NM_001265593.2); c.2118GGA[2], p.Glu708del (NM_198681.4); short protein forms E708del, E745del, E777del.
Identifiers: ClinVar variation 1786279 (VCV001786279.2), dbSNP rs759263875, ClinGen allele CA2580611386.
Genomic context (GRCh38, chr1:6,469,164, plus strand): 5'-AGTGCCACTGTCCTCGCCTTCCTCCTCCTCCTCCTCCTCCTCCTCTTCCTCCTCCTGCTC[ATCC>A]TCCTCCTCTTCCAGGCTCTGCAGGGGCTGCTGACTGCCTGGGGGCTCCTGTGCACGCAGC-3'